The following is an entry in ClinVar:

ClinVar aggregate classification (germline): Uncertain significance. Review status: criteria provided, multiple submitters, no conflicts (2 of 4 stars). 2 submissions from 2 submitters: Uncertain significance (2). Last evaluated 2024-11-18.

Allele frequency attached by ClinVar (database versions not stated): TOPMed 0.00001; gnomAD 0.00002.
gnomAD v4.1: 49 of 1,614,036 alleles (0.003%); highest among the groups gnomAD compares: Middle Eastern, 0.016%; no homozygotes.

Submissions (2):

Labcorp Genetics (formerly Invitae), Labcorp
Classification: Uncertain significance. Last evaluated: 2024-11-18. Review status: criteria provided, single submitter. Criteria: Invitae Variant Classification Sherloc (09022015). Collection method: clinical testing. Allele origin: germline.
Comment: This sequence change replaces arginine, which is basic and polar, with glutamine, which is neutral and polar, at codon 1820 of the ABCA4 protein (p.Arg1820Gln). This variant is present in population databases (rs62646875, gnomAD 0.004%). This variant has not been reported in the literature in individuals affected with ABCA4-related conditions. ClinVar contains an entry for this variant (Variation ID: 1435192). An algorithm developed to predict the effect of missense changes on protein structure and function outputs the following: PolyPhen-2: "Benign". The glutamine amino acid residue is found in multiple mammalian species, which suggests that this missense change does not adversely affect protein function. In summary, the available evidence is currently insufficient to determine the role of this variant in disease. Therefore, it has been classified as a Variant of Uncertain Significance.

Blueprint Genetics
Classification: Uncertain significance. Last evaluated: 2022-06-13. Review status: criteria provided, single submitter. Criteria: ACMG Guidelines, 2015. Collection method: clinical testing. Allele origin: germline.

NM_000350.3(ABCA4):c.5459G>A (p.Arg1820Gln)

Gene: ABCA4 (ATP binding cassette subfamily A member 4; minus strand). Cytogenetic location: 1p22.1.
Variant type: single nucleotide variant.
Coding change: c.5459G>A on transcript NM_000350.3 (MANE Select); coding-DNA position 5459, G replaced by A.
Protein change: p.Arg1820Gln; replaces arginine 1820 with glutamine.
Molecular consequence: missense variant.
Genome position (GRCh38, 1-based): chr1:94,014,544, C>T on the plus strand (G>A on the coding strand, the complement: ABCA4 is on the minus strand). VCF-style: chr1-94014544-C-T. GRCh37 (hg19) VCF-style: chr1-94480100-C-T.
Other names: c.5237G>A, p.Arg1746Gln (NM_001425324.1); short protein forms R1820Q, R1746Q.
Identifiers: ClinVar variation 1435192 (VCV001435192.6), dbSNP rs62646875, ClinGen allele CA957281.